The following is an entry in ClinVar:

ClinVar aggregate classification (germline): Uncertain significance (1 of 4 stars; one submission).

Conditions:
Telangiectasia, hereditary hemorrhagic, type 5 (HHT5). Identifiers: Orphanet 774, MedGen C3809710, MONDO:0014217, OMIM 615506.

Allele frequency attached by ClinVar (database versions not stated): TOPMed 0.00001.

Submission:

Labcorp Genetics (formerly Invitae), Labcorp
Classification: Uncertain significance for Telangiectasia, hereditary hemorrhagic, type 5. Last evaluated: 2021-04-16. Review status: criteria provided, single submitter. Criteria: Invitae Variant Classification Sherloc (09022015). Collection method: clinical testing. Allele origin: germline.
Comment: In summary, the available evidence is currently insufficient to determine the role of this variant in disease. Therefore, it has been classified as a Variant of Uncertain Significance. Algorithms developed to predict the effect of missense changes on protein structure and function output the following: SIFT: "Tolerated"; PolyPhen-2: "Benign"; Align-GVGD: "Class C0". The arginine amino acid residue is found in multiple mammalian species, suggesting that this missense change does not adversely affect protein function. These predictions have not been confirmed by published functional studies and their clinical significance is uncertain. This variant has not been reported in the literature in individuals with GDF2-related conditions. The frequency data for this variant in the population databases is considered unreliable, as metrics indicate insufficient coverage at this position in the ExAC database. This sequence change replaces glycine with arginine at codon 4 of the GDF2 protein (p.Gly4Arg). The glycine residue is weakly conserved and there is a moderate physicochemical difference between glycine and arginine.

NM_016204.4(GDF2):c.10G>A (p.Gly4Arg)

Gene: GDF2 (growth differentiation factor 2; plus strand). Cytogenetic location: 10q11.22.
Variant type: single nucleotide variant.
Coding change: c.10G>A on transcript NM_016204.4 (MANE Select); coding-DNA position 10, G replaced by A.
Protein change: p.Gly4Arg; replaces glycine 4 with arginine.
Molecular consequence: missense variant.
Genome position (GRCh38, 1-based): chr10:47,322,678, G>A. VCF-style: chr10-47322678-G-A. GRCh37 (hg19) VCF-style: chr10-48416684-C-T.
Other names: short protein forms G4R.
Identifiers: ClinVar variation 1483244 (VCV001483244.8), dbSNP rs2061088172, ClinGen allele CA376651639.